The following is an entry in ClinVar:

NM_004104.5(FASN):c.3916G>A (p.Ala1306Thr)

Gene: FASN (fatty acid synthase; minus strand). Cytogenetic location: 17q25.3.
Variant type: single nucleotide variant.
Coding change: c.3916G>A on transcript NM_004104.5 (MANE Select); coding-DNA position 3916, G replaced by A.
Protein change: p.Ala1306Thr; replaces alanine 1306 with threonine.
Molecular consequence: missense variant.
Genome position (GRCh38, 1-based): chr17:82,085,688, C>T on the plus strand (G>A on the coding strand, the complement: FASN is on the minus strand). VCF-style: chr17-82085688-C-T. GRCh37 (hg19) VCF-style: chr17-80043564-C-T.
Other names: short protein forms A1306T.
Identifiers: ClinVar variation 854704 (VCV000854704.9), dbSNP rs751832838, ClinGen allele CA8852247.
Genomic context (GRCh38, chr17:82,085,688, plus strand): 5'-CCGGGTCCCCGAGGGCAGCCACAGCACAGTTGCACACCAGGAGGTCGGCGCTGCCCAGGG[C>T]GCTGGGGGCAGGGTCTGCGGGATCCCACTGGCCCTGGGCAACGTCGTGCTGCTGCAGCTC-3'
Protein context (NP_004095.4, residues 1296-1316): QWDPADPAPS[Ala1306Thr]LGSADLLVCN

ClinVar aggregate classification (germline): Uncertain significance (1 of 4 stars; one submission).

Conditions:
Epileptic encephalopathy. Identifiers: MedGen C0543888, HP:0200134.

Allele frequency attached by ClinVar (database versions not stated): gnomAD 0.00001; TOPMed 0.00002; ExAC 0.00003; gnomAD exomes 0.00006.
gnomAD v4.1: 22 of 1,572,438 alleles (0.0014%); highest among the groups gnomAD compares: East Asian, 0.021%; no homozygotes.

Submission:

Labcorp Genetics (formerly Invitae), Labcorp
Classification: Uncertain significance for Epileptic encephalopathy. Last evaluated: 2024-04-17. Review status: criteria provided, single submitter. Criteria: Invitae Variant Classification Sherloc (09022015). Collection method: clinical testing. Allele origin: germline.
Comment: This sequence change replaces alanine, which is neutral and non-polar, with threonine, which is neutral and polar, at codon 1306 of the FASN protein (p.Ala1306Thr). This variant is present in population databases (rs751832838, gnomAD 0.06%). This variant has not been reported in the literature in individuals affected with FASN-related conditions. ClinVar contains an entry for this variant (Variation ID: 854704). Algorithms developed to predict the effect of missense changes on protein structure and function output the following: SIFT: "Not Available"; PolyPhen-2: "Benign"; Align-GVGD: "Not Available". The threonine amino acid residue is found in multiple mammalian species, which suggests that this missense change does not adversely affect protein function. In summary, the available evidence is currently insufficient to determine the role of this variant in disease. Therefore, it has been classified as a Variant of Uncertain Significance.